The following is an entry in ClinVar:

NM_020066.5(FMN2):c.384C>T (p.Ala128=)

Gene: FMN2 (formin 2; plus strand). Cytogenetic location: 1q43.
Variant type: single nucleotide variant.
Coding change: c.384C>T on transcript NM_020066.5 (MANE Select); coding-DNA position 384, C replaced by T.
Protein change: p.Ala128=; no amino-acid change (alanine 128 retained).
Molecular consequence: synonymous variant.
Genome position (GRCh38, 1-based): chr1:240,092,493, C>T. VCF-style: chr1-240092493-C-T. GRCh37 (hg19) VCF-style: chr1-240255793-C-T.
Other names: c.384C>T, p.Ala128= (NM_001305424.2, NM_001348094.2).
Identifiers: ClinVar variation 1694550 (VCV001694550.31), dbSNP rs200157875, ClinGen allele CA1476150.

ClinVar aggregate classification (germline): Likely benign (1 of 4 stars; one submission).

Allele frequency attached by ClinVar (database versions not stated): 1000 Genomes Project 30x 0.00016.
gnomAD v4.1: 4 of 1,606,980 alleles (0.00025%); highest among the groups gnomAD compares: East Asian, 0.0022%; no homozygotes.

Submission:

CeGaT Center for Human Genetics Tuebingen
Classification: Likely benign. Last evaluated: 2022-06-01. Review status: criteria provided, single submitter. Criteria: CeGaT Center For Human Genetics Tuebingen Variant Classification Criteria Version 2. Collection method: clinical testing. Allele origin: germline. Affected: yes. Observed: 1 variant allele.
Comment: FMN2: BP4, BP7